The following is an entry in ClinVar:

NM_001184.4(ATR):c.3004C>G (p.Leu1002Val)

Gene: ATR (ATR checkpoint kinase; minus strand). Cytogenetic location: 3q23.
Variant type: single nucleotide variant.
Coding change: c.3004C>G on transcript NM_001184.4 (MANE Select); coding-DNA position 3004, C replaced by G.
Protein change: p.Leu1002Val; replaces leucine 1002 with valine.
Molecular consequence: missense variant.
Genome position (GRCh38, 1-based): chr3:142,549,646, G>C on the plus strand (C>G on the coding strand, the complement: ATR is on the minus strand). VCF-style: chr3-142549646-G-C. GRCh37 (hg19) VCF-style: chr3-142268488-G-C.
Other names: c.2812C>G, p.Leu938Val (NM_001354579.2); short protein forms L938V, L1002V.
Identifiers: ClinVar variation 1939263 (VCV001939263.5), dbSNP rs1180191689, ClinGen allele CA354812547.

ClinVar aggregate classification (germline): Uncertain significance (1 of 4 stars; one submission).

Submission:

Labcorp Genetics (formerly Invitae), Labcorp
Classification: Uncertain significance. Last evaluated: 2025-11-18. Review status: criteria provided, single submitter. Criteria: Invitae Variant Classification Sherloc (09022015). Collection method: clinical testing. Allele origin: germline.
Comment: This sequence change replaces leucine, which is neutral and non-polar, with valine, which is neutral and non-polar, at codon 1002 of the ATR protein (p.Leu1002Val). This variant is not present in population databases (gnomAD no frequency). This variant has not been reported in the literature in individuals affected with ATR-related conditions. ClinVar contains an entry for this variant (Variation ID: 1939263). An algorithm developed to predict the effect of missense changes on protein structure and function (PolyPhen-2) suggests that this variant is likely to be disruptive. In summary, the available evidence is currently insufficient to determine the role of this variant in disease. Therefore, it has been classified as a Variant of Uncertain Significance.